The following is an entry in ClinVar:

NM_002691.4(POLD1):c.1832T>C (p.Met611Thr)

Gene: POLD1 (DNA polymerase delta 1, catalytic subunit; plus strand). Cytogenetic location: 19q13.33.
Variant type: single nucleotide variant.
Coding change: c.1832T>C on transcript NM_002691.4 (MANE Select); coding-DNA position 1832, T replaced by C.
Protein change: p.Met611Thr; replaces methionine 611 with threonine.
Molecular consequence: missense variant. On other transcripts: non-coding transcript variant (1).
Genome position (GRCh38, 1-based): chr19:50,408,841, T>C. VCF-style: chr19-50408841-T-C. GRCh37 (hg19) VCF-style: chr19-50912098-T-C.
Other names: c.1832T>C, p.Met611Thr (NM_001256849.1, NM_001438210.1, NM_001438211.1 and 2 more transcripts); c.1910T>C, p.Met637Thr (NM_001308632.1); short protein forms M611T, M637T.
Identifiers: ClinVar variation 4140975 (VCV004140975.1).

ClinVar aggregate classification (germline): Uncertain significance (1 of 4 stars; one submission).

Conditions:
Hereditary cancer-predisposing syndrome. Also called: Hereditary neoplastic syndrome; Neoplastic Syndromes, Hereditary; Tumor predisposition; Hereditary Cancer Syndrome. Identifiers: Orphanet 140162, MedGen C0027672, MeSH D009386, MONDO:0015356.

Submission:

Ambry Genetics
Classification: Uncertain significance for Hereditary cancer-predisposing syndrome. Last evaluated: 2025-06-15. Review status: criteria provided, single submitter. Criteria: Ambry Variant Classification Scheme 2023. Collection method: clinical testing. Allele origin: germline.
Comment: The p.M611T variant (also known as c.1832T>C), located in coding exon 14 of the POLD1 gene, results from a T to C substitution at nucleotide position 1832. The methionine at codon 611 is replaced by threonine, an amino acid with similar properties. This amino acid position is conserved. In addition, this alteration is predicted to be deleterious by in silico analysis. Based on the available evidence, the clinical significance of this variant remains unclear.